The following is an entry in ClinVar:

ClinVar aggregate classification (germline): Uncertain significance (1 of 4 stars; one submission).

Submission:

Ambry Genetics
Classification: Uncertain significance. Last evaluated: 2023-11-05. Review status: criteria provided, single submitter. Criteria: Ambry Variant Classification Scheme 2023. Collection method: clinical testing. Allele origin: germline.
Comment: The p.K3147R variant (also known as c.9440A>G), located in coding exon 67 of the PRKDC gene, results from an A to G substitution at nucleotide position 9440. The lysine at codon 3147 is replaced by arginine, an amino acid with highly similar properties. This amino acid position is conserved. Since supporting evidence is limited at this time, the clinical significance of this alteration remains unclear.

NM_006904.7(PRKDC):c.9440A>G (p.Lys3147Arg)

Gene: PRKDC (protein kinase, DNA-activated, catalytic subunit; minus strand). Cytogenetic location: 8q11.21.
Variant type: single nucleotide variant.
Coding change: c.9440A>G on transcript NM_006904.7 (MANE Select); coding-DNA position 9440, A replaced by G.
Protein change: p.Lys3147Arg; replaces lysine 3147 with arginine.
Molecular consequence: missense variant.
Genome position (GRCh38, 1-based): chr8:47,819,407, T>C on the plus strand (A>G on the coding strand, the complement: PRKDC is on the minus strand). VCF-style: chr8-47819407-T-C. GRCh37 (hg19) VCF-style: chr8-48731968-T-C.
Other names: c.9440A>G, p.Lys3147Arg (NM_001081640.2); short protein forms K3147R.
Identifiers: ClinVar variation 3225940 (VCV003225940.1), dbSNP rs2087530672, ClinGen allele CA371137981.